The following is an entry in ClinVar:

ClinVar aggregate classification (germline): Uncertain significance (1 of 4 stars; one submission).

Conditions:
Intellectual developmental disorder, autosomal dominant 6, with or without seizures. Also called: GRIN2B-related developmental delay, intellectual disability and autism spectrum disorder; Intellectual disability, autosomal dominant 6. Identifiers: Orphanet 589547, MedGen C3151411, MONDO:0013509, OMIM 613970.
Developmental and epileptic encephalopathy, 27 (DEE27). Also called: Epileptic encephalopathy, early infantile, 27; GRIN2B-Related Neurodevelopmental Disorder. Identifiers: Orphanet 3451, MedGen C4015316, MONDO:0014505, OMIM 616139.

Submission:

Labcorp Genetics (formerly Invitae), Labcorp
Classification: Uncertain significance for Developmental and epileptic encephalopathy, 27; Intellectual developmental disorder, autosomal dominant 6, with or without seizures. Last evaluated: 2024-04-15. Review status: criteria provided, single submitter. Criteria: Invitae Variant Classification Sherloc (09022015). Collection method: clinical testing. Allele origin: germline.
Comment: This sequence change replaces glycine, which is neutral and non-polar, with arginine, which is basic and polar, at codon 288 of the GRIN2B protein (p.Gly288Arg). This variant is not present in population databases (gnomAD no frequency). This variant has not been reported in the literature in individuals affected with GRIN2B-related conditions. Advanced modeling of protein sequence and biophysical properties (such as structural, functional, and spatial information, amino acid conservation, physicochemical variation, residue mobility, and thermodynamic stability) performed at Invitae indicates that this missense variant is not expected to disrupt GRIN2B protein function with a negative predictive value of 95%. In summary, the available evidence is currently insufficient to determine the role of this variant in disease. Therefore, it has been classified as a Variant of Uncertain Significance.

NM_000834.5(GRIN2B):c.862G>C (p.Gly288Arg)

Gene: GRIN2B (glutamate ionotropic receptor NMDA type subunit 2B; minus strand). Cytogenetic location: 12p13.1.
Variant type: single nucleotide variant.
Coding change: c.862G>C on transcript NM_000834.5 (MANE Select); coding-DNA position 862, G replaced by C.
Protein change: p.Gly288Arg; replaces glycine 288 with arginine.
Molecular consequence: missense variant.
Genome position (GRCh38, 1-based): chr12:13,753,465, C>G on the plus strand (G>C on the coding strand, the complement: GRIN2B is on the minus strand). VCF-style: chr12-13753465-C-G. GRCh37 (hg19) VCF-style: chr12-13906399-C-G.
Other names: c.862G>C, p.Gly288Arg (NM_001413992.1, NM_001413993.1, NM_001413994.1 and 1 more transcripts); short protein forms G288R.
Identifiers: ClinVar variation 2942465 (VCV002942465.3), dbSNP rs2497777252, ClinGen allele CA384053276.